The following is an entry in ClinVar:

ClinVar aggregate classification (germline): Uncertain significance (1 of 4 stars; one submission).

Conditions:
Early-infantile DEE. Also called: Ohtahara syndrome; Early infantile epileptic encephalopathy with suppression bursts; Early infantile epileptic encephalopathy. Identifiers: Orphanet 1934, MedGen C0393706, MONDO:0800491.

Submission:

Labcorp Genetics (formerly Invitae), Labcorp
Classification: Uncertain significance for Early-infantile DEE. Last evaluated: 2023-11-15. Review status: criteria provided, single submitter. Criteria: Invitae Variant Classification Sherloc (09022015). Collection method: clinical testing. Allele origin: germline.
Comment: This sequence change replaces lysine, which is basic and polar, with arginine, which is basic and polar, at codon 503 of the SCN1A protein (p.Lys503Arg). This variant is not present in population databases (gnomAD no frequency). This variant has not been reported in the literature in individuals affected with SCN1A-related conditions. Advanced modeling of protein sequence and biophysical properties (such as structural, functional, and spatial information, amino acid conservation, physicochemical variation, residue mobility, and thermodynamic stability) has been performed at Invitae for this missense variant, however the output from this modeling did not meet the statistical confidence thresholds required to predict the impact of this variant on SCN1A protein function. In summary, the available evidence is currently insufficient to determine the role of this variant in disease. Therefore, it has been classified as a Variant of Uncertain Significance.

NM_001165963.4(SCN1A):c.1508A>G (p.Lys503Arg)

Gene: SCN1A (sodium voltage-gated channel alpha subunit 1; minus strand). Cytogenetic location: 2q24.3.
Variant type: single nucleotide variant.
Coding change: c.1508A>G on transcript NM_001165963.4 (MANE Select); coding-DNA position 1508, A replaced by G.
Protein change: p.Lys503Arg; replaces lysine 503 with arginine.
Molecular consequence: missense variant. On other transcripts: 5 prime UTR variant (1), non-coding transcript variant (1).
Genome position (GRCh38, 1-based): chr2:166,045,197, T>C on the plus strand (A>G on the coding strand, the complement: SCN1A is on the minus strand). VCF-style: chr2-166045197-T-C. GRCh37 (hg19) VCF-style: chr2-166901707-T-C.
Other names: c.1508A>G, p.Lys503Arg (NM_001353949.2, NM_001353950.2, NM_001353951.2 and 7 more transcripts); c.1505A>G, p.Lys502Arg (NM_001353954.2, NM_001353955.2, NM_001353960.2); c.-918A>G (NM_001353961.2); short protein forms K502R, K503R.
Identifiers: ClinVar variation 2696129 (VCV002696129.3), dbSNP rs2468167659, ClinGen allele CA349069562.